The following is an entry in ClinVar:

ClinVar aggregate classification (germline): Uncertain significance. Review status: criteria provided, multiple submitters, no conflicts (2 of 4 stars). 7 submissions from 7 submitters: Uncertain significance (6). 1 of the submissions does not count toward it. Last evaluated 2026-03-17.

Conditions:
Cystic fibrosis (CF). Also called: MUCOVISCIDOSIS. Identifiers: Orphanet 586, MedGen C0010674, MONDO:0009061, OMIM 219700. Disease mechanism: loss of function.
CFTR-related disorder (CFTR-RD). Also called: CFTR-related disorders; CFTR-related condition. Identifiers: MedGen C5924204, MONDO:7770004.
Congenital bilateral aplasia of vas deferens from CFTR mutation (CBAVD). Identifiers: Orphanet 48, MedGen C0403814, MONDO:0010178, OMIM 277180. Disease mechanism: loss of function.

Allele frequency attached by ClinVar (database versions not stated): gnomAD exomes 0.00003 and 0.00004; TOPMed 0.00002; ExAC 0.00003.
gnomAD v4.1: 60 of 1,613,192 alleles (0.0037%); highest among the groups gnomAD compares: East Asian, 0.13%; no homozygotes.

Submissions (7):

Women's Health and Genetics/Laboratory Corporation of America, LabCorp
Classification: Uncertain significance. Last evaluated: 2026-03-17. Review status: criteria provided, single submitter. Criteria: LabCorp Variant Classification Summary - May 2015. Collection method: clinical testing. Allele origin: germline.
Comment: Variant summary: CFTR c.1231A>G (p.Lys411Glu) results in a conservative amino acid change located in the ATP-binding cassette domain 1 (IPR047082) of the encoded protein sequence. Algorithms developed to predict the effect of missense changes on protein structure and function are either unavailable or do not agree on the potential impact of this missense change. The variant allele was found at a frequency of 2.8e-05 in 247310 control chromosomes. The available data on variant occurrences in the general population are insufficient to allow any conclusion about variant significance. c.1231A>G has been observed in heterozygous individuals with congenital bilateral absence of the vas deferens and in an individual affected with idiopathic chronic pancreatitis who harbored a second VUS in the CFTR gene, for which phase was not specified (e.g. Nakano_2015, Yuan_2019, Luo_2021, Lu_2025) These report(s) do not provide unequivocal conclusions about association of the variant with CFTR-Related Diseases. To our knowledge, no experimental evidence demonstrating an impact on protein function has been reported. The following publications have been ascertained in the context of this evaluation (PMID: 40065563, 32777524, 25492507, 30811104). ClinVar contains an entry for this variant (Variation ID: 502578). Based on the evidence outlined above, the variant was classified as uncertain significance.

Labcorp Genetics (formerly Invitae), Labcorp
Classification: Uncertain significance for Cystic fibrosis. Last evaluated: 2026-01-12. Review status: criteria provided, single submitter. Criteria: Invitae Variant Classification Sherloc (09022015). Collection method: clinical testing. Allele origin: germline.
Comment: This sequence change replaces lysine, which is basic and polar, with glutamic acid, which is acidic and polar, at codon 411 of the CFTR protein (p.Lys411Glu). The frequency data for this variant in the population databases is considered unreliable, as metrics indicate poor data quality at this position in the gnomAD database. This missense change has been observed in individual(s) with congenital absence of vas deferens, cystic fibrosis, and/or pancreatitis (PMID: 25492507, 30811104, 32777524, 35858753). ClinVar contains an entry for this variant (Variation ID: 502578). Invitae Evidence Modeling of protein sequence and biophysical properties (such as structural, functional, and spatial information, amino acid conservation, physicochemical variation, residue mobility, and thermodynamic stability) indicates that this missense variant is not expected to disrupt CFTR protein function with a negative predictive value of 80%. In summary, the available evidence is currently insufficient to determine the role of this variant in disease. Therefore, it has been classified as a Variant of Uncertain Significance.

Quest Diagnostics Nichols Institute San Juan Capistrano
Classification: Uncertain significance. Last evaluated: 2025-05-05. Review status: criteria provided, single submitter. Criteria: Quest Diagnostics criteria. Collection method: clinical testing. Allele origin: unknown.
Comment: The CFTR c.1231A>G (p.Lys411Glu) variant has been reported in the published literature in individuals affected with cystic fibrosis (CF) (PMID: 35858753 (2022)), congenital absence of the vas deferens (CAVD) (PMID: 30811104 (2019), 32777524 (2021)), and Idiopathic chronic pancreatitis (ICP) (PMID: 25492507 (2015)). The frequency of this variant in the general population (Genome Aggregation Database) is uninformative in the assessment of its pathogenicity. Analysis of this variant using bioinformatics tools for the prediction of the effect of amino acid changes on protein structure and function yielded predictions that this variant is damaging. Based on the available information, we are unable to determine the clinical significance of this variant.

Ambry Genetics
Classification: Uncertain significance for Cystic fibrosis. Last evaluated: 2023-10-20. Review status: criteria provided, single submitter. Criteria: Ambry Variant Classification Scheme 2023. Collection method: clinical testing. Allele origin: germline.
Comment: The p.K411E variant (also known as c.1231A>G), located in coding exon 10 of the CFTR gene, results from an A to G substitution at nucleotide position 1231. The lysine at codon 411 is replaced by glutamic acid, an amino acid with similar properties. This alteration was identified in one individual with chronic pancreatitis (Nakano E et al. Dig Dis Sci, 2015 May;60:1297-307). Additionally, this alteration was identified in an individual with congenital absence of the vas deferens (Yuan P et al. Andrology, 2019 05;7:329-340). This amino acid position is well conserved in available vertebrate species. In addition, this alteration is predicted to be deleterious by in silico analysis. Since supporting evidence is limited at this time, the clinical significance of this alteration remains unclear.

Eurofins Ntd Llc (ga)
Classification: Uncertain significance. Last evaluated: 2018-08-30. Review status: criteria provided, single submitter. Criteria: EGL ClinVar v180209 classification definitions. Collection method: clinical testing. Allele origin: germline. Observed: 3 variant alleles, 3 heterozygotes.

Juno Genomics, Hangzhou Juno Genomics, Inc
Classification: Uncertain significance for Congenital bilateral aplasia of vas deferens from CFTR mutation; Cystic fibrosis. Review status: criteria provided, single submitter. Criteria: ACMG Guidelines, 2015. Collection method: clinical testing. Allele origin: germline.
Comment: Absent from controls (or at extremely low frequency if recessive) in Genome Aggregation Database.;Patient's phenotype or family history is highly specific for a disease with a single genetic etiology.

Molecular Genetics Laboratory, BC Children's and BC Women's Hospitals
Classification: Uncertain significance for CFTR-related disorder. Last evaluated: 2023-08-17. Review status: no assertion criteria provided. Criteria: ACMG Guidelines, 2015. Collection method: clinical testing. Allele origin: germline. Affected: yes. Not counted in ClinVar's aggregate classification.

Literature cited by the submitters: PubMed 25492507 (cited by 4 submitters); PubMed 30811104 (cited by 4 submitters); PubMed 32777524 (cited by 3 submitters); PubMed 40065563 (cited by Women's Health and Genetics/Laboratory Corporation of America, LabCorp); PubMed 35858753 (cited by Labcorp Genetics (formerly Invitae), Labcorp and Quest Diagnostics Nichols Institute San Juan Capistrano).

NM_000492.4(CFTR):c.1231A>G (p.Lys411Glu)

Genes: CFTR-AS1 (CFTR antisense RNA 1; minus strand), CFTR (CF transmembrane conductance regulator; plus strand). Cytogenetic location: 7q31.2.
Variant type: single nucleotide variant.
Coding change: c.1231A>G on transcript NM_000492.4 (MANE Select); coding-DNA position 1231, A replaced by G.
Protein change: p.Lys411Glu; replaces lysine 411 with glutamic acid.
Molecular consequence: missense variant.
Genome position (GRCh38, 1-based): chr7:117,548,662, A>G. VCF-style: chr7-117548662-A-G. GRCh37 (hg19) VCF-style: chr7-117188716-A-G.
Other names: short protein forms K411E.
Identifiers: ClinVar variation 502578 (VCV000502578.18), dbSNP rs748155731, ClinGen allele CA4450960.